The following is an entry in ClinVar:

ClinVar aggregate classification (germline): Uncertain significance (1 of 4 stars; one submission).

Allele frequency attached by ClinVar (database versions not stated): TOPMed 0.00001; ExAC 0.00002; gnomAD 0.00003; gnomAD exomes 0.00004; ESP Exome Variant Server 0.00015.
gnomAD v4.1: 67 of 1,604,680 alleles (0.0042%); highest among the groups gnomAD compares: Non-Finnish European, 0.0055%; no homozygotes.

Submission:

Labcorp Genetics (formerly Invitae), Labcorp
Classification: Uncertain significance. Last evaluated: 2026-01-14. Review status: criteria provided, single submitter. Criteria: Invitae Variant Classification Sherloc (09022015). Collection method: clinical testing. Allele origin: germline.
Comment: This sequence change replaces valine, which is neutral and non-polar, with alanine, which is neutral and non-polar, at codon 328 of the DSG1 protein (p.Val328Ala). This variant is present in population databases (rs145784011, gnomAD 0.006%). This variant has not been reported in the literature in individuals affected with DSG1-related conditions. ClinVar contains an entry for this variant (Variation ID: 1991218). Invitae Evidence Modeling of protein sequence and biophysical properties (such as structural, functional, and spatial information, amino acid conservation, physicochemical variation, residue mobility, and thermodynamic stability) indicates that this missense variant is not expected to disrupt DSG1 protein function with a negative predictive value of 80%. In summary, the available evidence is currently insufficient to determine the role of this variant in disease. Therefore, it has been classified as a Variant of Uncertain Significance.

NM_001942.4(DSG1):c.983T>C (p.Val328Ala)

Gene: DSG1 (desmoglein 1; plus strand). Cytogenetic location: 18q12.1.
Variant type: single nucleotide variant.
Coding change: c.983T>C on transcript NM_001942.4 (MANE Select); coding-DNA position 983, T replaced by C.
Protein change: p.Val328Ala; replaces valine 328 with alanine.
Molecular consequence: missense variant.
Genome position (GRCh38, 1-based): chr18:31,334,180, T>C. VCF-style: chr18-31334180-T-C. GRCh37 (hg19) VCF-style: chr18-28914143-T-C.
Other names: short protein forms V328A.
Identifiers: ClinVar variation 1991218 (VCV001991218.4), dbSNP rs145784011, ClinGen allele CA8925978.
Genomic context (GRCh38, chr18:31,334,180, plus strand): 5'-TCTTTATCTCTGGAAATGAAGGAAATTGGTTTGAGATAGAAATGAATGAAAGAACAAATG[T>C]GGGAATTTTAAAGGTTGTTAAGGTATGGTATAATTATCCTAAATATTTTGTTTTCTTAAT-3'
Protein context (NP_001933.2, residues 318-338): FEIEMNERTN[Val328Ala]GILKVVKPLD